The following is an entry in ClinVar:

ClinVar aggregate classification (germline): Uncertain significance (1 of 4 stars; one submission).

Conditions:
Ehlers-Danlos syndrome, type 4 (EDSVASC). Also called: Ehlers-Danlos Syndrome Type IV; Ehlers-Danlos syndrome vascular type; Ehlers Danlos syndrome, ecchymotic type; Ehlers Danlos syndrome, arterial type; Ehlers Danlos syndrome, Sack-Barabas type. Identifiers: Orphanet 286, MedGen C0268338, MONDO:0017314, OMIM 130050.

Submission:

All of Us Research Program, National Institutes of Health
Classification: Uncertain significance for Ehlers-Danlos syndrome, type 4. Last evaluated: 2023-08-15. Review status: criteria provided, single submitter. Criteria: ACMG Guidelines, 2015. Collection method: clinical testing. Allele origin: germline. Inheritance: Autosomal dominant inheritance. Observed: 1 variant allele, 1 heterozygote.
Comment: This missense variant replaces asparagine with histidine at codon 653 of the COL3A1 protein. Computational prediction suggests that this variant may not impact protein structure and function (internally defined REVEL score threshold <= 0.5, PMID: 27666373). To our knowledge, functional studies have not been reported for this variant. This variant has not been reported in individuals affected with COL3A1-related disorders in the literature. This variant has not been identified in the general population by the Genome Aggregation Database (gnomAD). The available evidence is insufficient to determine the role of this variant in disease conclusively. Therefore, this variant is classified as a Variant of Uncertain Significance.

This study involves interpretation of variants in research participants for the purpose of population health screening. Participant phenotype was not available at the time of variant classification. Additional details can be found in publication PMID: 35346344, PMCID: PMC8962531

NM_000090.4(COL3A1):c.1957A>C (p.Asn653His)

Gene: COL3A1 (collagen type III alpha 1 chain; plus strand). Cytogenetic location: 2q32.2.
Variant type: single nucleotide variant.
Coding change: c.1957A>C on transcript NM_000090.4 (MANE Select); coding-DNA position 1957, A replaced by C.
Protein change: p.Asn653His; replaces asparagine 653 with histidine.
Molecular consequence: missense variant.
Genome position (GRCh38, 1-based): chr2:188,998,299, A>C. VCF-style: chr2-188998299-A-C. GRCh37 (hg19) VCF-style: chr2-189863025-A-C.
Other names: short protein forms N653H.
Identifiers: ClinVar variation 3072751 (VCV003072751.1), dbSNP rs1688374292, ClinGen allele CA349854098.
Genomic context (GRCh38, chr2:188,998,299, plus strand): 5'-ACCTAATACAAATATGATTCTTTCTAGGGCTTGCCTGGTACAGGTGGTCCTCCAGGAGAA[A>C]ATGGAAAACCTGGGGAACCAGTAAGTTACGTTTCATTATTCAAAACTCAGAAACAAAAAG-3'
Protein context (NP_000081.2, residues 643-663): LPGTGGPPGE[Asn653His]GKPGEPGPKG